The following is an entry in ClinVar:

NM_000448.3(RAG1):c.491A>G (p.Lys164Arg)

Gene: RAG1 (recombination activating 1; plus strand). Cytogenetic location: 11p12.
Variant type: single nucleotide variant.
Coding change: c.491A>G on transcript NM_000448.3 (MANE Select); coding-DNA position 491, A replaced by G.
Protein change: p.Lys164Arg; replaces lysine 164 with arginine.
Molecular consequence: missense variant.
Genome position (GRCh38, 1-based): chr11:36,573,795, A>G. VCF-style: chr11-36573795-A-G. GRCh37 (hg19) VCF-style: chr11-36595345-A-G.
Other names: c.491A>G, p.Lys164Arg (NM_001377277.1, NM_001377278.1, NM_001377279.1 and 1 more transcripts); short protein forms K164R.
Identifiers: ClinVar variation 2053182 (VCV002053182.4), dbSNP rs1722422764, ClinGen allele CA380146661.

ClinVar aggregate classification (germline): Uncertain significance (1 of 4 stars; one submission).

Conditions:
Combined immunodeficiency with skin granulomas. Identifiers: Orphanet 157949, MedGen C2673536, MONDO:0009306, OMIM 233650.
Severe combined immunodeficiency, autosomal recessive, T cell-negative, B cell-negative, NK cell-positive. Also called: SCID, T CELL-NEGATIVE, B CELL-NEGATIVE, NK CELL-POSITIVE; SCID, AR, T-cell negative, B-cell negative, NK cell-positive; Severe combined immunodeficiency due to complete RAG1/2 deficiency. Identifiers: Orphanet 331206, MedGen C1832322, MONDO:0011086, OMIM 601457.

Allele frequency attached by ClinVar (database versions not stated): TOPMed below 0.00001.

Submission:

Labcorp Genetics (formerly Invitae), Labcorp
Classification: Uncertain significance for Combined immunodeficiency with skin granulomas; Severe combined immunodeficiency, autosomal recessive, T cell-negative, B cell-negative, NK cell-positive. Last evaluated: 2022-08-09. Review status: criteria provided, single submitter. Criteria: Invitae Variant Classification Sherloc (09022015). Collection method: clinical testing. Allele origin: germline.
Comment: This variant is not present in population databases (gnomAD no frequency). This sequence change replaces lysine, which is basic and polar, with arginine, which is basic and polar, at codon 164 of the RAG1 protein (p.Lys164Arg). This variant has not been reported in the literature in individuals affected with RAG1-related conditions. Advanced modeling of protein sequence and biophysical properties (such as structural, functional, and spatial information, amino acid conservation, physicochemical variation, residue mobility, and thermodynamic stability) performed at Invitae indicates that this missense variant is not expected to disrupt RAG1 protein function. In summary, the available evidence is currently insufficient to determine the role of this variant in disease. Therefore, it has been classified as a Variant of Uncertain Significance.